The following is an entry in ClinVar:

NM_024809.5(TCTN2):c.317C>G (p.Ser106Cys)

Gene: TCTN2 (tectonic family member 2; plus strand). Cytogenetic location: 12q24.31.
Variant type: single nucleotide variant.
Coding change: c.317C>G on transcript NM_024809.5 (MANE Select); coding-DNA position 317, C replaced by G.
Protein change: p.Ser106Cys; replaces serine 106 with cysteine.
Molecular consequence: missense variant.
Genome position (GRCh38, 1-based): chr12:123,673,664, C>G. VCF-style: chr12-123673664-C-G. GRCh37 (hg19) VCF-style: chr12-124158211-C-G.
Other names: c.314C>G, p.Ser105Cys (NM_001143850.3); c.317C>G, p.Ser106Cys (NM_001410989.1); short protein forms S105C, S106C.
Identifiers: ClinVar variation 1916627 (VCV001916627.5), dbSNP rs771740049, ClinGen allele CA6860867.

ClinVar aggregate classification (germline): Uncertain significance (1 of 4 stars; one submission).

Conditions:
Joubert syndrome. Also called: CEREBELLOPARENCHYMAL DISORDER IV; JOUBERT-BOLTSHAUSER SYNDROME; Familial aplasia of the vermis. Identifiers: Orphanet 475, MedGen C5979921, MONDO:0018772.
Meckel-Gruber syndrome. Also called: DYSENCEPHALIA SPLANCHNOCYSTICA; GRUBER SYNDROME; Dysencephalia splachnocystica. Identifiers: Orphanet 564, MedGen C0265215, MONDO:0018921.

Allele frequency attached by ClinVar (database versions not stated): gnomAD exomes below 0.00001; TOPMed below 0.00001; gnomAD 0.00001; ExAC 0.00002.
gnomAD v4.1: 3 of 1,614,048 alleles (0.00019%); highest among the groups gnomAD compares: Admixed American, 0.0033%; no homozygotes.

Submission:

Labcorp Genetics (formerly Invitae), Labcorp
Classification: Uncertain significance for Joubert syndrome; Meckel-Gruber syndrome. Last evaluated: 2022-02-25. Review status: criteria provided, single submitter. Criteria: Invitae Variant Classification Sherloc (09022015). Collection method: clinical testing. Allele origin: germline.
Comment: This sequence change replaces serine, which is neutral and polar, with cysteine, which is neutral and slightly polar, at codon 106 of the TCTN2 protein (p.Ser106Cys). This variant is present in population databases (rs771740049, gnomAD 0.003%). This variant has not been reported in the literature in individuals affected with TCTN2-related conditions. Algorithms developed to predict the effect of missense changes on protein structure and function are either unavailable or do not agree on the potential impact of this missense change (SIFT: "Tolerated"; PolyPhen-2: "Possibly Damaging"; Align-GVGD: "Class C0"). In summary, the available evidence is currently insufficient to determine the role of this variant in disease. Therefore, it has been classified as a Variant of Uncertain Significance.